The following is an entry in ClinVar:

NM_000169.3(GLA):c.409G>T (p.Val137Phe)

Genes: GLA (galactosidase alpha; minus strand), RPL36A-HNRNPH2 (RPL36A-HNRNPH2 readthrough; plus strand). Cytogenetic location: Xq22.1.
Variant type: single nucleotide variant.
Coding change: c.409G>T on transcript NM_000169.3 (MANE Select); coding-DNA position 409, G replaced by T.
Protein change: p.Val137Phe; replaces valine 137 with phenylalanine.
Molecular consequence: missense variant. On other transcripts: non-coding transcript variant (3), intron variant (2).
Genome position (GRCh38, 1-based): chrX:101,401,770, C>A on the plus strand (G>T on the coding strand, the complement: GLA is on the minus strand). VCF-style: chrX-101401770-C-A. GRCh37 (hg19) VCF-style: chrX-100656758-C-A.
Other names: c.532G>T, p.Val178Phe (NM_001406747.1, NM_001406749.1); c.409G>T, p.Val137Phe (NM_001406748.1); c.300+6313C>A (NM_001199973.2); c.177+9948C>A (NM_001199974.2); short protein forms V137F, V178F.
Identifiers: ClinVar variation 929201 (VCV000929201.6), dbSNP rs1928326653, ClinGen allele CA413930470.

ClinVar aggregate classification (germline): Conflicting classifications of pathogenicity. Review status: criteria provided, conflicting classifications (1 of 4 stars). 3 submissions from 3 submitters: Likely pathogenic (1); Uncertain significance (2). Last evaluated 2026-09-08.

Conditions:
Fabry disease. Also called: Fabry's disease; ANDERSON-FABRY DISEASE; CERAMIDE TRIHEXOSIDASE DEFICIENCY; Angiokeratoma corporis diffusum; GLA DEFICIENCY; HEREDITARY DYSTOPIC LIPIDOSIS. Identifiers: Orphanet 324, MedGen C0002986, MONDO:0010526, OMIM 301500, HP:0001071. Disease mechanism: loss of function, Fabry disease is due to inactivating mutations in the X-linked GLA gene resulting in deficiency of the enzyme Alpha Galactosidase-A..

Submissions (3):

Genomenon, Inc
Classification: Likely pathogenic for Fabry disease. Last evaluated: 2026-09-08. Review status: criteria provided, single submitter. Criteria: Genomenon Sequence Variant Interpretation Standards - Updated. Collection method: curation. Allele origin: germline. Affected: yes.
Comment: GLA p.Val137Phe (c.409G>T) is a missense variant that changes the amino acid at codon 137 from Valine to Phenylalanine. This variant has been observed in at least one proband with clinical features consistent with Fabry disease (PMID:33204599). Functional or patient cell studies have been reported (PMID:33204599). This variant is located in a mutational hotspot and/or important functional domain. It is absent or not present at a significant frequency in gnomAD. In silico models predict that this variant is possibly or probably damaging. In conclusion, we classify GLA p.Val137Phe (c.409G>T) as a likely pathogenic variant.

Revvity Omics, Revvity
Classification: Uncertain significance. Last evaluated: 2022-02-10. Review status: criteria provided, single submitter. Criteria: ACMG Guidelines, 2015. Collection method: clinical testing. Allele origin: germline.

Women's Health and Genetics/Laboratory Corporation of America, LabCorp
Classification: Uncertain significance. Last evaluated: 2019-08-29. Review status: criteria provided, single submitter. Criteria: LabCorp Variant Classification Summary - May 2015. Collection method: clinical testing. Allele origin: germline.
Comment: Variant summary: GLA c.409G>T (p.Val137Phe) results in a non-conservative amino acid change in the encoded protein sequence. Four of five in-silico tools predict a damaging effect of the variant on protein function. The variant was absent in 183470 control chromosomes (gnomAD). The available data on variant occurrences in the general population are insufficient to allow any conclusion about variant significance. To our knowledge, no occurrence of c.409G>T in individuals affected with Fabry Disease and no experimental evidence demonstrating its impact on protein function have been reported. No clinical diagnostic laboratories have submitted clinical-significance assessments for this variant to ClinVar after 2014. Based on the evidence outlined above, the variant was classified as uncertain significance.

Literature cited by the submitters: PubMed 33204599 (cited by Genomenon, Inc).